The following is an entry in ClinVar:

ClinVar aggregate classification (germline): Benign/Likely benign. Review status: criteria provided, multiple submitters, no conflicts (2 of 4 stars). 3 submissions from 3 submitters: Benign (1); Likely benign (2). Last evaluated 2024-11-07.

Conditions:
Renal cell carcinoma. Identifiers: Orphanet 217071, MedGen C0007134, MeSH D002292, MONDO:0005086, HP:0005584.
Papillary renal cell carcinoma type 1 (RCCP1). Also called: RENAL CELL CARCINOMA, PAPILLARY, 1, SOMATIC; Renal adenocarcinoma; Renal cell carcinoma 1; Renal cell carcinoma, somatic. Identifiers: Orphanet 47044, MedGen C1336839, OMIM 605074, HP:0011797.
Hereditary cancer-predisposing syndrome. Also called: Neoplastic Syndromes, Hereditary; Hereditary Cancer Syndrome; Hereditary neoplastic syndrome; Tumor predisposition. Identifiers: Orphanet 140162, MedGen C0027672, MeSH D009386, MONDO:0015356.

Allele frequency attached by ClinVar (database versions not stated): ExAC 0.00001; gnomAD exomes 0.00001.
gnomAD v4.1: 3 of 1,613,920 alleles (0.00019%); highest among the groups gnomAD compares: Non-Finnish European, 0.00025%; no homozygotes.

Submissions (3):

Myriad Genetics, Inc.
Classification: Benign for Papillary renal cell carcinoma type 1. Last evaluated: 2024-11-07. Review status: criteria provided, single submitter. Criteria: Myriad Autosomal Dominant, Autosomal Recessive and X-Linked Classification Criteria (2023). Collection method: clinical testing. Allele origin: unknown.
Comment: This variant is considered benign. This variant is a silent/synonymous amino acid change and it is not expected to impact splicing.

Labcorp Genetics (formerly Invitae), Labcorp
Classification: Likely benign for Renal cell carcinoma. Last evaluated: 2022-11-01. Review status: criteria provided, single submitter. Criteria: Invitae Variant Classification Sherloc (09022015). Collection method: clinical testing. Allele origin: germline.

Ambry Genetics
Classification: Likely benign for Hereditary cancer-predisposing syndrome. Last evaluated: 2022-03-24. Review status: criteria provided, single submitter. Criteria: Ambry Variant Classification Scheme 2023. Collection method: clinical testing. Allele origin: germline.

NM_000245.4(MET):c.1662G>A (p.Gly554=)

Gene: MET (MET proto-oncogene, receptor tyrosine kinase; plus strand). Cytogenetic location: 7q31.2.
Variant type: single nucleotide variant.
Coding change: c.1662G>A on transcript NM_000245.4 (MANE Select); coding-DNA position 1662, G replaced by A.
Protein change: p.Gly554=; no amino-acid change (glycine 554 retained).
Molecular consequence: synonymous variant.
Genome position (GRCh38, 1-based): chr7:116,740,986, G>A. VCF-style: chr7-116740986-G-A. GRCh37 (hg19) VCF-style: chr7-116381040-G-A.
Other names: c.1662G>A, p.Gly554= (NM_001127500.3, NM_001324401.3); c.372G>A, p.Gly124= (NM_001324402.2).
Identifiers: ClinVar variation 1120295 (VCV001120295.12), dbSNP rs779328011, ClinGen allele CA4448218.